The following is an entry in ClinVar:

NM_015717.5(CD207):c.406C>G (p.Gln136Glu)

Gene: CD207 (CD207 molecule; minus strand). Cytogenetic location: 2p13.3.
Variant type: single nucleotide variant.
Coding change: c.406C>G on transcript NM_015717.5 (MANE Select); coding-DNA position 406, C replaced by G.
Protein change: p.Gln136Glu; replaces glutamine 136 with glutamic acid.
Molecular consequence: missense variant.
Genome position (GRCh38, 1-based): chr2:70,833,805, G>C on the plus strand (C>G on the coding strand, the complement: CD207 is on the minus strand). VCF-style: chr2-70833805-G-C. GRCh37 (hg19) VCF-style: chr2-71060936-G-C.
Other names: short protein forms Q136E.
Identifiers: ClinVar variation 3060755 (VCV003060755.2), dbSNP rs17718987, ClinGen allele CA1700424.
Genomic context (GRCh38, chr2:70,833,805, plus strand): 5'-CTGGGATTTGGGCATTTAAGGTACTGACTTCTTCCCAACTTCTTGTTAAGATCTGGATCT[G>C]TGCGTTGGCCTTCTCCACACTGGTTTTTAACTTCAGGAACTGAGAACGCACATAACCCAG-3'
Protein context (NP_056532.4, residues 126-146): LKTSVEKANA[Gln136Glu]IQILTRSWEE

ClinVar aggregate classification (germline): Benign (0 of 4 stars; one submission).

Conditions:
CD207-related disorder. Also called: CD207-related condition.

Allele frequency attached by ClinVar (database versions not stated): 1000 Genomes Project 0.13219; 1000 Genomes Project 30x 0.13492; TOPMed 0.20445; gnomAD 0.21629; ESP Exome Variant Server 0.23105; ExAC 0.23307; gnomAD exomes 0.29005.
gnomAD v4.1: 455,693 of 1,613,668 alleles (28%); highest among the groups gnomAD compares: Non-Finnish European, 32%; 70,186 homozygotes.

Submission:

PreventionGenetics, part of Exact Sciences
Classification: Benign for CD207-related condition. Last evaluated: 2019-10-21. Review status: no assertion criteria provided. Collection method: clinical testing. Allele origin: germline.
Comment: This variant is classified as benign based on ACMG/AMP sequence variant interpretation guidelines (Richards et al. 2015 PMID: 25741868, with internal and published modifications).